The following is an entry in ClinVar:

NM_000081.4(LYST):c.2922T>G (p.Ser974Arg)

Gene: LYST (lysosomal trafficking regulator; minus strand). Cytogenetic location: 1q42.3.
Variant type: single nucleotide variant.
Coding change: c.2922T>G on transcript NM_000081.4 (MANE Select); coding-DNA position 2922, T replaced by G.
Protein change: p.Ser974Arg; replaces serine 974 with arginine.
Molecular consequence: missense variant.
Genome position (GRCh38, 1-based): chr1:235,806,214, A>C on the plus strand (T>G on the coding strand, the complement: LYST is on the minus strand). VCF-style: chr1-235806214-A-C. GRCh37 (hg19) VCF-style: chr1-235969514-A-C.
Other names: c.2922T>G, p.Ser974Arg (NM_001301365.1); short protein forms S974R.
Identifiers: ClinVar variation 3650007 (VCV003650007.2).

ClinVar aggregate classification (germline): Uncertain significance (1 of 4 stars; one submission).

Conditions:
Chédiak-Higashi syndrome (CHS). Also called: Chediak-Higashi Syndrome. Identifiers: Orphanet 167, MedGen C0007965, MONDO:0008963, OMIM 214500.

Submission:

Labcorp Genetics (formerly Invitae), Labcorp
Classification: Uncertain significance for Chédiak-Higashi syndrome. Last evaluated: 2024-04-15. Review status: criteria provided, single submitter. Criteria: Invitae Variant Classification Sherloc (09022015). Collection method: clinical testing. Allele origin: germline.
Comment: This sequence change replaces serine, which is neutral and polar, with arginine, which is basic and polar, at codon 974 of the LYST protein (p.Ser974Arg). This variant is not present in population databases (gnomAD no frequency). This variant has not been reported in the literature in individuals affected with LYST-related conditions. Advanced modeling of protein sequence and biophysical properties (such as structural, functional, and spatial information, amino acid conservation, physicochemical variation, residue mobility, and thermodynamic stability) performed at Invitae indicates that this missense variant is not expected to disrupt LYST protein function with a negative predictive value of 80%. Algorithms developed to predict the effect of sequence changes on RNA splicing suggest that this variant may create or strengthen a splice site. In summary, the available evidence is currently insufficient to determine the role of this variant in disease. Therefore, it has been classified as a Variant of Uncertain Significance.